The following is an entry in ClinVar:

NM_001018113.3(FANCB):c.30C>A (p.Asn10Lys)

Gene: FANCB (FA complementation group B; minus strand). Cytogenetic location: Xp22.2.
Variant type: single nucleotide variant.
Coding change: c.30C>A on transcript NM_001018113.3 (MANE Select); coding-DNA position 30, C replaced by A.
Protein change: p.Asn10Lys; replaces asparagine 10 with lysine.
Molecular consequence: missense variant. On other transcripts: non-coding transcript variant (1).
Genome position (GRCh38, 1-based): chrX:14,865,481, G>T on the plus strand (C>A on the coding strand, the complement: FANCB is on the minus strand). VCF-style: chrX-14865481-G-T. GRCh37 (hg19) VCF-style: chrX-14883603-G-T.
Other names: c.30C>A (NM_001018113.2); c.30C>A, p.Asn10Lys (NM_001324162.2, NM_152633.4); short protein forms N10K.
Identifiers: ClinVar variation 456184 (VCV000456184.13), dbSNP rs750078094, ClinGen allele CA10353241.

ClinVar aggregate classification (germline): Benign/Likely benign. Review status: criteria provided, multiple submitters, no conflicts (2 of 4 stars). 3 submissions from 3 submitters: Benign (1); Likely benign (2). Last evaluated 2025-12-15.

Conditions:
FANCB-related disorder. Also called: FANCB-related condition.
Fanconi anemia (FA). Also called: Fanconi's anemia. Identifiers: Orphanet 84, MedGen C0015625, MeSH D005199, MONDO:0019391.

Allele frequency attached by ClinVar (database versions not stated): TOPMed 0.00007.
gnomAD v4.1: 177 of 1,202,075 alleles (0.015%); highest among the groups gnomAD compares: Non-Finnish European, 0.019%; no homozygotes.

Submissions (3):

Labcorp Genetics (formerly Invitae), Labcorp
Classification: Benign for Fanconi anemia. Last evaluated: 2025-12-15. Review status: criteria provided, single submitter. Criteria: Invitae Variant Classification Sherloc (09022015). Collection method: clinical testing. Allele origin: germline.

PreventionGenetics, part of Exact Sciences
Classification: Likely benign for FANCB-related condition. Last evaluated: 2024-10-18. Review status: criteria provided, single submitter. Criteria: ACMG Guidelines, 2015. Collection method: clinical testing. Allele origin: germline.
Comment: This variant is classified as likely benign based on ACMG/AMP sequence variant interpretation guidelines (Richards et al. 2015 PMID: 25741868, with internal and published modifications).

Sema4
Classification: Likely benign for Fanconi anemia. Last evaluated: 2022-01-31. Review status: criteria provided, single submitter. Criteria: Sema4 Curation Guidelines. Collection method: curation. Allele origin: germline.